The following is an entry in ClinVar:

NM_015629.4(PRPF31):c.409C>T (p.Arg137Cys)

Genes: PRPF31 (pre-mRNA processing factor 31; plus strand), PRPF31-AS1 (PRPF31 antisense RNA 1; minus strand). Cytogenetic location: 19q13.42.
Variant type: single nucleotide variant.
Coding change: c.409C>T on transcript NM_015629.4 (MANE Select); coding-DNA position 409, C replaced by T.
Protein change: p.Arg137Cys; replaces arginine 137 with cysteine.
Molecular consequence: missense variant.
Genome position (GRCh38, 1-based): chr19:54,122,583, C>T. VCF-style: chr19-54122583-C-T. GRCh37 (hg19) VCF-style: chr19-54625962-C-T.
Other names: short protein forms R137C.
Identifiers: ClinVar variation 2018542 (VCV002018542.4), dbSNP rs763083738, ClinGen allele CA309323999.

ClinVar aggregate classification (germline): Uncertain significance (1 of 4 stars; one submission).

Allele frequency attached by ClinVar (database versions not stated): ExAC 0.00001.

Submission:

Labcorp Genetics (formerly Invitae), Labcorp
Classification: Uncertain significance. Last evaluated: 2022-04-12. Review status: criteria provided, single submitter. Criteria: Invitae Variant Classification Sherloc (09022015). Collection method: clinical testing. Allele origin: germline.
Comment: Algorithms developed to predict the effect of missense changes on protein structure and function are either unavailable or do not agree on the potential impact of this missense change (SIFT: "Deleterious"; PolyPhen-2: "Benign"; Align-GVGD: "Class C15"). This variant has not been reported in the literature in individuals affected with PRPF31-related conditions. This variant is present in population databases (rs763083738, gnomAD 0.003%). This sequence change replaces arginine, which is basic and polar, with cysteine, which is neutral and slightly polar, at codon 137 of the PRPF31 protein (p.Arg137Cys). In summary, the available evidence is currently insufficient to determine the role of this variant in disease. Therefore, it has been classified as a Variant of Uncertain Significance.